The following is an entry in ClinVar:

ClinVar aggregate classification (germline): Uncertain significance (1 of 4 stars; one submission).

Conditions:
Gamma-aminobutyric acid transaminase deficiency (GABATD). Also called: GABA aminotransaminase deficiency; GABA transaminase deficiency; Gamma aminobutyrate transaminase deficiency; 4 alpha aminobutyrate transaminase deficiency. Identifiers: Orphanet 2066, MedGen C0342708, MONDO:0013166, OMIM 613163.

Allele frequency attached by ClinVar (database versions not stated): TOPMed below 0.00001; gnomAD 0.00001; ESP Exome Variant Server 0.00008.
gnomAD v4.1: 18 of 1,614,108 alleles (0.0011%); highest among the groups gnomAD compares: Non-Finnish European, 0.0015%; no homozygotes.

Submission:

Labcorp Genetics (formerly Invitae), Labcorp
Classification: Uncertain significance for Gamma-aminobutyric acid transaminase deficiency. Last evaluated: 2022-02-22. Review status: criteria provided, single submitter. Criteria: Invitae Variant Classification Sherloc (09022015). Collection method: clinical testing. Allele origin: germline.
Comment: In summary, the available evidence is currently insufficient to determine the role of this variant in disease. Therefore, it has been classified as a Variant of Uncertain Significance. Algorithms developed to predict the effect of missense changes on protein structure and function (SIFT, PolyPhen-2, Align-GVGD) all suggest that this variant is likely to be tolerated. This variant has not been reported in the literature in individuals affected with ABAT-related conditions. This variant is not present in population databases (gnomAD no frequency). This sequence change replaces alanine, which is neutral and non-polar, with glycine, which is neutral and non-polar, at codon 485 of the ABAT protein (p.Ala485Gly).

NM_020686.6(ABAT):c.1454C>G (p.Ala485Gly)

Gene: ABAT (4-aminobutyrate aminotransferase; plus strand). Cytogenetic location: 16p13.2.
Variant type: single nucleotide variant.
Coding change: c.1454C>G on transcript NM_020686.6 (MANE Select); coding-DNA position 1454, C replaced by G.
Protein change: p.Ala485Gly; replaces alanine 485 with glycine.
Molecular consequence: missense variant.
Genome position (GRCh38, 1-based): chr16:8,781,381, C>G. VCF-style: chr16-8781381-C-G. GRCh37 (hg19) VCF-style: chr16-8875238-C-G.
Other names: c.1454C>G, p.Ala485Gly (NM_000663.5, NM_001127448.2, NM_001386600.1 and 4 more transcripts); c.1415C>G, p.Ala472Gly (NM_001386605.1); c.1391C>G, p.Ala464Gly (NM_001386606.1, NM_001386607.1); c.1361C>G, p.Ala454Gly (NM_001386608.1); c.1342C>G, p.Leu448Val (NM_001386609.1); c.1319C>G, p.Ala440Gly (NM_001386610.1, NM_001386611.1); c.1256C>G, p.Ala419Gly (NM_001386612.1, NM_001386613.1); c.1208C>G, p.Ala403Gly (NM_001386614.1); and 2 more; short protein forms A472G, A485G, L505V, A464G, A440G, A454G, A403G, A419G.
Identifiers: ClinVar variation 1967294 (VCV001967294.5), dbSNP rs374020495, ClinGen allele CA277475961.